The following is an entry in ClinVar:

NM_016247.4(IMPG2):c.2195C>T (p.Ser732Phe)

Gene: IMPG2 (interphotoreceptor matrix proteoglycan 2; minus strand). Cytogenetic location: 3q12.3.
Variant type: single nucleotide variant.
Coding change: c.2195C>T on transcript NM_016247.4 (MANE Select); coding-DNA position 2195, C replaced by T.
Protein change: p.Ser732Phe; replaces serine 732 with phenylalanine.
Molecular consequence: missense variant.
Genome position (GRCh38, 1-based): chr3:101,244,136, G>A on the plus strand (C>T on the coding strand, the complement: IMPG2 is on the minus strand). VCF-style: chr3-101244136-G-A. GRCh37 (hg19) VCF-style: chr3-100962980-G-A.
Other names: short protein forms S732F.
Identifiers: ClinVar variation 2092878 (VCV002092878.2), dbSNP rs762698931, ClinGen allele CA2519024.

ClinVar aggregate classification (germline): Uncertain significance (1 of 4 stars; one submission).

Allele frequency attached by ClinVar (database versions not stated): gnomAD 0.00002; TOPMed 0.00002.
gnomAD v4.1: 5 of 1,613,948 alleles (0.00031%); highest among the groups gnomAD compares: African/African-American, 0.0053%; no homozygotes.

Submission:

Labcorp Genetics (formerly Invitae), Labcorp
Classification: Uncertain significance. Last evaluated: 2022-09-06. Review status: criteria provided, single submitter. Criteria: Invitae Variant Classification Sherloc (09022015). Collection method: clinical testing. Allele origin: germline.
Comment: In summary, the available evidence is currently insufficient to determine the role of this variant in disease. Therefore, it has been classified as a Variant of Uncertain Significance. Algorithms developed to predict the effect of missense changes on protein structure and function are either unavailable or do not agree on the potential impact of this missense change (SIFT: "Tolerated"; PolyPhen-2: "Possibly Damaging"; Align-GVGD: "Class C0"). This variant has not been reported in the literature in individuals affected with IMPG2-related conditions. This variant is present in population databases (rs762698931, gnomAD 0.004%). This sequence change replaces serine, which is neutral and polar, with phenylalanine, which is neutral and non-polar, at codon 732 of the IMPG2 protein (p.Ser732Phe).